The following is an entry in ClinVar:

ClinVar aggregate classification (germline): Uncertain significance. Review status: criteria provided, multiple submitters, no conflicts (2 of 4 stars). 2 submissions from 2 submitters: Uncertain significance (2). Last evaluated 2025-10-02.

Allele frequency attached by ClinVar (database versions not stated): ExAC 0.00002; TOPMed 0.00009; gnomAD exomes 0.00011; gnomAD 0.00013; ESP Exome Variant Server 0.00008.
gnomAD v4.1: 187 of 1,613,596 alleles (0.012%); highest among the groups gnomAD compares: Non-Finnish European, 0.014%; no homozygotes.

Submissions (2):

Ambry Genetics
Classification: Uncertain significance. Last evaluated: 2025-10-02. Review status: criteria provided, single submitter. Criteria: Ambry Variant Classification Scheme 2023. Collection method: clinical testing. Allele origin: germline.

Labcorp Genetics (formerly Invitae), Labcorp
Classification: Uncertain significance. Last evaluated: 2025-04-10. Review status: criteria provided, single submitter. Criteria: Invitae Variant Classification Sherloc (09022015). Collection method: clinical testing. Allele origin: germline.
Comment: This sequence change replaces cysteine, which is neutral and slightly polar, with phenylalanine, which is neutral and non-polar, at codon 600 of the NPAT protein (p.Cys600Phe). This variant is present in population databases (rs201818601, gnomAD 0.007%). This variant has not been reported in the literature in individuals affected with NPAT-related conditions. ClinVar contains an entry for this variant (Variation ID: 1780314). An algorithm developed to predict the effect of missense changes on protein structure and function (PolyPhen-2) suggests that this variant is likely to be tolerated. In summary, the available evidence is currently insufficient to determine the role of this variant in disease. Therefore, it has been classified as a Variant of Uncertain Significance.

NM_002519.3(NPAT):c.1799G>T (p.Cys600Phe)

Gene: NPAT (nuclear protein, coactivator of histone transcription; minus strand). Cytogenetic location: 11q22.3.
Variant type: single nucleotide variant.
Coding change: c.1799G>T on transcript NM_002519.3 (MANE Select); coding-DNA position 1799, G replaced by T.
Protein change: p.Cys600Phe; replaces cysteine 600 with phenylalanine.
Molecular consequence: missense variant.
Genome position (GRCh38, 1-based): chr11:108,173,185, C>A on the plus strand (G>T on the coding strand, the complement: NPAT is on the minus strand). VCF-style: chr11-108173185-C-A. GRCh37 (hg19) VCF-style: chr11-108043912-C-A.
Other names: c.1799G>T, p.Cys600Phe (NM_001321307.1); short protein forms C600F.
Identifiers: ClinVar variation 1780314 (VCV001780314.6), dbSNP rs201818601, ClinGen allele CA6263939.